The following is an entry in ClinVar:

ClinVar aggregate classification (germline): Uncertain significance (1 of 4 stars; one submission).

Submission:

Labcorp Genetics (formerly Invitae), Labcorp
Classification: Uncertain significance. Last evaluated: 2025-12-23. Review status: criteria provided, single submitter. Criteria: Invitae Variant Classification Sherloc (09022015). Collection method: clinical testing. Allele origin: germline.
Comment: This sequence change falls in intron 15 of the POLE gene. It does not directly change the encoded amino acid sequence of the POLE protein. It affects a nucleotide within the consensus splice site. This variant is not present in population databases (gnomAD no frequency). This variant has not been reported in the literature in individuals affected with POLE-related conditions. ClinVar contains an entry for this variant (Variation ID: 2706787). Variants that disrupt the consensus splice site are a relatively common cause of aberrant splicing (PMID: 17576681, 9536098). Algorithms developed to predict the effect of sequence changes on RNA splicing suggest that this variant may disrupt the consensus splice site. In summary, the available evidence is currently insufficient to determine the role of this variant in disease. Therefore, it has been classified as a Variant of Uncertain Significance.

Literature cited by the submitters: PubMed 17576681; PubMed 9536098.

NM_006231.4(POLE):c.1686+5G>C

Gene: POLE (DNA polymerase epsilon, catalytic subunit; minus strand). Cytogenetic location: 12q24.33.
Variant type: single nucleotide variant.
Coding change: c.1686+5G>C on transcript NM_006231.4 (MANE Select); 5 bases into the intron after coding-DNA position 1686, G replaced by C.
Molecular consequence: intron variant.
Genome position (GRCh38, 1-based): chr12:132,672,622, C>G on the plus strand (G>C on the coding strand, the complement: POLE is on the minus strand). VCF-style: chr12-132672622-C-G. GRCh37 (hg19) VCF-style: chr12-133249208-C-G.
Identifiers: ClinVar variation 2706787 (VCV002706787.3), dbSNP rs1203416076, ClinGen allele CA2697551648.
Genomic context (GRCh38, chr12:132,672,622, plus strand): 5'-GCAGCTTCTGGGTCCTACCACAGCACAAGAGTGGGAAGAATCTGAATCCCAGGGAAGAAG[C>G]ACACCATCCTAAACCGGCAAGGGATATCGCTGCGGAAAACCCCAGACTCGAGGGCCTCCA-3'